The following is an entry in ClinVar:

NM_030958.3(SLCO5A1):c.1423+2T>G

Gene: SLCO5A1 (solute carrier organic anion transporter family member 5A1; minus strand). Cytogenetic location: 8q13.3.
Variant type: single nucleotide variant.
Coding change: c.1423+2T>G on transcript NM_030958.3 (MANE Select); the canonical splice donor site of the intron after coding-DNA position 1423, T replaced by G.
Molecular consequence: splice donor variant. On other transcripts: intron variant (1).
Genome position (GRCh38, 1-based): chr8:69,738,038, A>C on the plus strand (T>G on the coding strand, the complement: SLCO5A1 is on the minus strand). VCF-style: chr8-69738038-A-C. GRCh37 (hg19) VCF-style: chr8-70650273-A-C.
Other names: c.1423+2T>G (NM_001146008.2); c.1258+17386T>G (NM_001146009.1).
Identifiers: ClinVar variation 3722414 (VCV003722414.2).

ClinVar aggregate classification (germline): Uncertain significance (1 of 4 stars; one submission).

gnomAD v4.1: 1 of 1,613,282 alleles (0.000062%); highest among the groups gnomAD compares: Non-Finnish European, 0.000085%; no homozygotes.

Submission:

Labcorp Genetics (formerly Invitae), Labcorp
Classification: Uncertain significance. Last evaluated: 2025-07-21. Review status: criteria provided, single submitter. Criteria: Invitae Variant Classification Sherloc (09022015). Collection method: clinical testing. Allele origin: germline.
Comment: This sequence change affects a donor splice site in intron 5 of the SLCO5A1 gene. It is expected to disrupt RNA splicing. Variants that disrupt the donor or acceptor splice site typically lead to a loss of protein function (PMID: 16199547), however the current clinical and genetic evidence is not sufficient to establish whether loss-of-function variants in SLCO5A1 cause disease. This variant is not present in population databases (gnomAD no frequency). This variant has not been reported in the literature in individuals affected with SLCO5A1-related conditions. ClinVar contains an entry for this variant (Variation ID: 3722414). Algorithms developed to predict the effect of sequence changes on RNA splicing suggest that this variant may disrupt the consensus splice site. In summary, the available evidence is currently insufficient to determine the role of this variant in disease. Therefore, it has been classified as a Variant of Uncertain Significance.

Literature cited by the submitters: PubMed 16199547.